The following is an entry in ClinVar:

ClinVar aggregate classification (germline): Uncertain significance (1 of 4 stars; one submission).

Allele frequency attached by ClinVar (database versions not stated): gnomAD exomes 0.00001.
gnomAD v4.1: 3 of 1,596,136 alleles (0.00019%); highest among the groups gnomAD compares: East Asian, 0.0045%; no homozygotes.

Submission:

GeneDx
Classification: Uncertain significance. Last evaluated: 2022-12-19. Review status: criteria provided, single submitter. Criteria: GeneDx Variant Classification Process June 2021. Collection method: clinical testing. Allele origin: germline. Affected: yes.
Comment: Missense variants in this gene are often considered pathogenic (HGMD); In silico analysis supports that this missense variant does not alter protein structure/function; This substitution is predicted to be within the cytoplasmic loop between the second and third homologous domains; This variant is associated with the following publications: (PMID: 28454995)

NM_001330260.2(SCN8A):c.3379G>A (p.Asp1127Asn)

Gene: SCN8A (sodium voltage-gated channel alpha subunit 8; plus strand). Cytogenetic location: 12q13.13.
Variant type: single nucleotide variant.
Coding change: c.3379G>A on transcript NM_001330260.2 (MANE Select); coding-DNA position 3379, G replaced by A.
Protein change: p.Asp1127Asn; replaces aspartic acid 1127 with asparagine.
Molecular consequence: missense variant.
Genome position (GRCh38, 1-based): chr12:51,769,874, G>A. VCF-style: chr12-51769874-G-A. GRCh37 (hg19) VCF-style: chr12-52163658-G-A.
Other names: c.3379G>A, p.Asp1127Asn (NM_001177984.3, NM_001369788.1, NM_014191.4); short protein forms D1127N.
Identifiers: ClinVar variation 2505693 (VCV002505693.1), dbSNP rs1263183279, ClinGen allele CA384894980.